The following is an entry in ClinVar:

NM_001011.4(RPS7):c.474G>A (p.Leu158=)

Gene: RPS7 (ribosomal protein S7; plus strand). Cytogenetic location: 2p25.3.
Variant type: single nucleotide variant.
Coding change: c.474G>A on transcript NM_001011.4 (MANE Select); coding-DNA position 474, G replaced by A.
Protein change: p.Leu158=; no amino-acid change (leucine 158 retained).
Molecular consequence: synonymous variant.
Genome position (GRCh38, 1-based): chr2:3,580,227, G>A. VCF-style: chr2-3580227-G-A. GRCh37 (hg19) VCF-style: chr2-3627817-G-A.
Identifiers: ClinVar variation 3045900 (VCV003045900.2), dbSNP rs61730446, ClinGen allele CA424603776.

ClinVar aggregate classification (germline): Likely benign (0 of 4 stars; one submission).

Conditions:
RPS7-related disorder. Also called: RPS7-related condition.

Submission:

PreventionGenetics, part of Exact Sciences
Classification: Likely benign for RPS7-related condition. Last evaluated: 2023-09-22. Review status: no assertion criteria provided. Collection method: clinical testing. Allele origin: germline.
Comment: This variant is classified as likely benign based on ACMG/AMP sequence variant interpretation guidelines (Richards et al. 2015 PMID: 25741868, with internal and published modifications).